The following is an entry in ClinVar:

ClinVar aggregate classification (germline): Conflicting classifications of pathogenicity. Review status: criteria provided, conflicting classifications (1 of 4 stars). 11 submissions from 11 submitters: Uncertain significance (7); Likely benign (1). 3 of the submissions do not count toward it. Last evaluated 2026-09-01.

Conditions:
SH3TC2-related disorder. Also called: SH3TC2-related condition; SH3TC2-related disorders. Identifiers: MedGen CN239303.
Inborn genetic diseases. Identifiers: MedGen C0950123, MeSH D030342.
Susceptibility to mononeuropathy of the median nerve, mild. Also called: CARPAL TUNNEL SYNDROME, SUSCEPTIBILITY TO. Identifiers: MedGen C3150596, MONDO:0013237, OMIM 613353.
Charcot-Marie-Tooth disease type 4C (CMT4C). Also called: CHARCOT-MARIE-TOOTH DISEASE, DEMYELINATING, AUTOSOMAL RECESSIVE, TYPE 4C; CMT 4C; Charcot-Marie-Tooth Neuropathy Type 4C (CMT4C); SH3TC2-Related Hereditary Motor and Sensory Neuropathy; CHARCOT-MARIE-TOOTH DISEASE, DEMYELINATING, TYPE 4C. Identifiers: Orphanet 99949, MedGen C1866636, MONDO:0011113, OMIM 601596.
Charcot-Marie-Tooth disease. Also called: Charcot-Marie-Tooth Hereditary Neuropathy; Charcot-Marie-Tooth Neuropathy. Identifiers: Orphanet 166, MedGen C0007959, MONDO:0015626.
Charcot-Marie-Tooth disease type 4. Also called: Charcot-Marie-Tooth disease, type IV; Charcot-Marie-Tooth, Type 4. Identifiers: Orphanet 64749, MedGen C4082197, MONDO:0018995.

Allele frequency attached by ClinVar (database versions not stated): gnomAD 0.00013; ESP Exome Variant Server 0.00015; 1000 Genomes Project 30x 0.00016; TOPMed 0.00016; 1000 Genomes Project 0.00020; gnomAD exomes 0.00021.
gnomAD v4.1: 332 of 1,614,132 alleles (0.021%); highest among the groups gnomAD compares: Middle Eastern, 0.033%; no homozygotes.

Submissions (11):

CeGaT Center for Human Genetics Tuebingen
Classification: Uncertain significance. Last evaluated: 2026-09-01. Review status: criteria provided, single submitter. Criteria: CeGaT Center For Human Genetics Tuebingen Variant Classification Criteria Version 2. Collection method: clinical testing. Allele origin: germline. Affected: yes. Observed: 2 variant alleles.
Comment: SH3TC2: PM2

GeneDx
Classification: Uncertain significance. Last evaluated: 2026-04-16. Review status: criteria provided, single submitter. Criteria: GeneDx Variant Classification Process June 2021. Collection method: clinical testing. Allele origin: germline.
Comment: In silico analysis suggests that this missense variant does not alter protein structure/function; Observed in a patient with suspected CMT in published literature; however, no clinical details were provided (PMID: 32376792); This variant is associated with the following publications: (PMID: 32376792)

Ambry Genetics
Classification: Uncertain significance for Inborn genetic diseases. Last evaluated: 2025-12-15. Review status: criteria provided, single submitter. Criteria: Ambry Variant Classification Scheme 2023. Collection method: clinical testing. Allele origin: germline.

Labcorp Genetics (formerly Invitae), Labcorp
Classification: Likely benign for Charcot-Marie-Tooth disease type 4. Last evaluated: 2025-11-28. Review status: criteria provided, single submitter. Criteria: Invitae Variant Classification Sherloc (09022015). Collection method: clinical testing. Allele origin: germline.

PreventionGenetics, part of Exact Sciences
Classification: Uncertain significance for SH3TC2-related condition. Last evaluated: 2025-08-28. Review status: criteria provided, single submitter. Criteria: ACMG Guidelines, 2015. Collection method: clinical testing. Allele origin: germline.
Comment: The SH3TC2 c.2582G>A variant is predicted to result in the amino acid substitution p.Arg861Gln. This variant was reported as a variant of uncertain significance in an individual from a large cohort study of Charcot-Marie-Tooth disease; however, additional evidence was not provided (Supplementary Table 2, Volodarsky et al. 2021. PubMed ID: 32376792). This variant is reported in 0.021% of alleles in individuals of European (non-Finnish) descent in gnomAD. At this time, the clinical significance of this variant is uncertain due to the absence of conclusive functional and genetic evidence.

Athena Diagnostics
Classification: Uncertain significance. Last evaluated: 2023-05-24. Review status: criteria provided, single submitter. Criteria: Athena Diagnostics Criteria. Collection method: clinical testing. Allele origin: unknown.
Comment: Available data are insufficient to determine the clinical significance of the variant at this time. The frequency of this variant in the general population is uninformative in assessment of its pathogenicity. Computational tools predict that this variant is not damaging.

Department of Pathology and Laboratory Medicine, Sinai Health System
Classification: Uncertain significance for Charcot-Marie-Tooth disease type 4C; Susceptibility to mononeuropathy of the median nerve, mild. Last evaluated: 2022-02-18. Review status: criteria provided, single submitter. Criteria: ACMG Guidelines, 2015. Collection method: research. Allele origin: germline.

Molecular Genetics Laboratory, London Health Sciences Centre
Classification: Uncertain significance for Charcot-Marie-Tooth disease. Review status: criteria provided, single submitter. Criteria: ACMG Guidelines, 2015. Collection method: clinical testing. Allele origin: germline. Affected: yes.

Zotz-Klimas Genetics Lab, MVZ Zotz Klimas
Classification: Uncertain significance for Charcot-Marie-Tooth disease type 4C. Last evaluated: 2023-10-30. Review status: no assertion criteria provided. Collection method: clinical testing. Allele origin: germline. Affected: yes. Not counted in ClinVar's aggregate classification.

Clinical Genetics, Academic Medical Center
Classification: Uncertain significance. Review status: no assertion criteria provided. Collection method: clinical testing. Allele origin: germline. Affected: yes. Study: VKGL Data-share Consensus. Not counted in ClinVar's aggregate classification.

Genome Diagnostics Laboratory, University Medical Center Utrecht
Classification: Uncertain significance. Review status: no assertion criteria provided. Collection method: clinical testing. Allele origin: germline. Affected: yes. Study: VKGL Data-share Consensus. Not counted in ClinVar's aggregate classification.

Literature cited by the submitters: PubMed 32376792 (cited by Athena Diagnostics).

NM_024577.4(SH3TC2):c.2582G>A (p.Arg861Gln)

Gene: SH3TC2 (SH3 domain and tetratricopeptide repeats 2; minus strand). Cytogenetic location: 5q32.
Variant type: single nucleotide variant.
Coding change: c.2582G>A on transcript NM_024577.4 (MANE Select); coding-DNA position 2582, G replaced by A.
Protein change: p.Arg861Gln; replaces arginine 861 with glutamine.
Molecular consequence: missense variant.
Genome position (GRCh38, 1-based): chr5:149,027,150, C>T on the plus strand (G>A on the coding strand, the complement: SH3TC2 is on the minus strand). VCF-style: chr5-149027150-C-T. GRCh37 (hg19) VCF-style: chr5-148406713-C-T.
Other names: short protein forms R861Q.
Identifiers: ClinVar variation 476901 (VCV000476901.61), dbSNP rs142971473, ClinGen allele CA3498964.